The following is an entry in ClinVar:

NM_000077.5(CDKN2A):c.41_43delinsG (p.Asp14fs)

Gene: CDKN2A (cyclin dependent kinase inhibitor 2A; minus strand). Cytogenetic location: 9p21.3.
Variant type: Indel.
Coding change: c.41_43delinsG on transcript NM_000077.5; coding-DNA positions 41 to 43, ACT replaced by G.
Protein change: p.Asp14fs; shifts the reading frame from aspartic acid 14.
Molecular consequence: frameshift variant (on NM_000077.4). On other transcripts: intron variant (2).
Genome position (GRCh38, 1-based): chr9:21,974,785-21,974,787, AGT replaced by C on the plus strand (ACT replaced by G on the coding strand, the reverse complement: CDKN2A is on the minus strand). VCF-style: chr9-21974785-AGT-C. GRCh37 (hg19) VCF-style: chr9-21974784-AGT-C.
Other names: c.41_43delACTinsG, p.Asp14Glyfs (NM_000077.4, NM_000077.6); c.41_43delinsG, p.Asp14fs (NM_001195132.2, NM_058197.5); c.-3-3579_-3-3577delinsG (NM_001363763.2); c.194-3579_194-3577delinsG (NM_058195.4); short protein forms D14fs.
Identifiers: ClinVar variation 659927 (VCV000659927.6), dbSNP rs1587340291, ClinGen allele CA915947486.
Genomic context (GRCh38, chr9:21,974,785, plus strand): 5'-CCGCCTCCAGCAGCGCCCGCACCTCCTCTACCCGACCCCGGGCCGCGGCCGTGGCCAGCC[AGT>C]CAGCCGAAGGCTCCATGCTGCTCCCCGCCGCCGGCTCCATGCTGCTCCCCGCCGCCCGCT-3'

ClinVar aggregate classification (germline): Pathogenic (1 of 4 stars; one submission).

Conditions:
Familial melanoma. Also called: Hereditary melanoma; Hereditary cutaneous melanoma. Identifiers: Orphanet 618, MedGen C1512419, MONDO:0018961.

Submission:

Labcorp Genetics (formerly Invitae), Labcorp
Classification: Pathogenic for Familial melanoma. Last evaluated: 2022-07-26. Review status: criteria provided, single submitter. Criteria: Invitae Variant Classification Sherloc (09022015). Collection method: clinical testing. Allele origin: germline.
Comment: For these reasons, this variant has been classified as Pathogenic. This variant has not been reported in the literature in individuals affected with CDKN2A (p16INK4a)-related conditions. This variant is not present in population databases (gnomAD no frequency). This sequence change creates a premature translational stop signal (p.Asp14Glyfs*29) in the CDKN2A (p16INK4a) gene. It is expected to result in an absent or disrupted protein product. Loss-of-function variants in CDKN2A (p16INK4a) are known to be pathogenic (PMID: 15146471, 16905682).

Literature cited by the submitters: PubMed 15146471; PubMed 16905682.